The following is an entry in ClinVar:

ClinVar aggregate classification (germline): Uncertain significance (1 of 4 stars; one submission).

Conditions:
Severe combined immunodeficiency due to DNA-PKcs deficiency. Also called: IMMUNODEFICIENCY 26 WITH NEUROLOGIC ABNORMALITIES; Immunodeficiency 26 with or without neurologic abnormalities. Identifiers: Orphanet 317425, MedGen C4014833, MONDO:0014423, OMIM 615966.

Allele frequency attached by ClinVar (database versions not stated): gnomAD below 0.00001 and 0.00005; gnomAD exomes 0.00001 and 0.00003; ExAC 0.00005; 1000 Genomes Project 30x 0.00047; 1000 Genomes Project 0.00060.
gnomAD v4.1: 27 of 1,613,128 alleles (0.0017%); highest among the groups gnomAD compares: South Asian, 0.029%; no homozygotes.

Submission:

Labcorp Genetics (formerly Invitae), Labcorp
Classification: Uncertain significance for Severe combined immunodeficiency due to DNA-PKcs deficiency. Last evaluated: 2022-10-13. Review status: criteria provided, single submitter. Criteria: Invitae Variant Classification Sherloc (09022015). Collection method: clinical testing. Allele origin: germline.
Comment: This sequence change replaces serine, which is neutral and polar, with asparagine, which is neutral and polar, at codon 3481 of the PRKDC protein (p.Ser3481Asn). This variant is present in population databases (rs567334706, gnomAD 0.03%). This variant has not been reported in the literature in individuals affected with PRKDC-related conditions. ClinVar contains an entry for this variant (Variation ID: 1011462). Advanced modeling of protein sequence and biophysical properties (such as structural, functional, and spatial information, amino acid conservation, physicochemical variation, residue mobility, and thermodynamic stability) performed at Invitae indicates that this missense variant is not expected to disrupt PRKDC protein function. In summary, the available evidence is currently insufficient to determine the role of this variant in disease. Therefore, it has been classified as a Variant of Uncertain Significance.

NM_006904.7(PRKDC):c.10442G>A (p.Ser3481Asn)

Gene: PRKDC (protein kinase, DNA-activated, catalytic subunit; minus strand). Cytogenetic location: 8q11.21.
Variant type: single nucleotide variant.
Coding change: c.10442G>A on transcript NM_006904.7 (MANE Select); coding-DNA position 10442, G replaced by A.
Protein change: p.Ser3481Asn; replaces serine 3481 with asparagine.
Molecular consequence: missense variant.
Genome position (GRCh38, 1-based): chr8:47,798,253, C>T on the plus strand (G>A on the coding strand, the complement: PRKDC is on the minus strand). VCF-style: chr8-47798253-C-T. GRCh37 (hg19) VCF-style: chr8-48710814-C-T.
Other names: c.10442G>A, p.Ser3481Asn (NM_001081640.2); short protein forms S3481N.
Identifiers: ClinVar variation 1011462 (VCV001011462.2), dbSNP rs567334706, ClinGen allele CA4739325.